The following is an entry in ClinVar:

NM_000245.4(MET):c.2612A>G (p.Lys871Arg)

Gene: MET (MET proto-oncogene, receptor tyrosine kinase; plus strand). Cytogenetic location: 7q31.2.
Variant type: single nucleotide variant.
Coding change: c.2612A>G on transcript NM_000245.4 (MANE Select); coding-DNA position 2612, A replaced by G.
Protein change: p.Lys871Arg; replaces lysine 871 with arginine.
Molecular consequence: missense variant.
Genome position (GRCh38, 1-based): chr7:116,769,673, A>G. VCF-style: chr7-116769673-A-G. GRCh37 (hg19) VCF-style: chr7-116409727-A-G.
Other names: c.2666A>G, p.Lys889Arg (NM_001127500.3); c.2612A>G, p.Lys871Arg (NM_001324401.3); c.1322A>G, p.Lys441Arg (NM_001324402.2); short protein forms K871R, K889R, K441R.
Identifiers: ClinVar variation 3395109 (VCV003395109.1).

ClinVar aggregate classification (germline): Uncertain significance (1 of 4 stars; one submission).

Conditions:
Hereditary cancer-predisposing syndrome. Also called: Hereditary Cancer Syndrome; Tumor predisposition; Hereditary neoplastic syndrome; Neoplastic Syndromes, Hereditary. Identifiers: Orphanet 140162, MedGen C0027672, MeSH D009386, MONDO:0015356.

Submission:

Ambry Genetics
Classification: Uncertain significance for Hereditary cancer-predisposing syndrome. Last evaluated: 2024-07-11. Review status: criteria provided, single submitter. Criteria: Ambry Variant Classification Scheme 2023. Collection method: clinical testing. Allele origin: germline.
Comment: The p.K889R variant (also known as c.2666A>G), located in coding exon 11 of the MET gene, results from an A to G substitution at nucleotide position 2666. The lysine at codon 889 is replaced by arginine, an amino acid with highly similar properties. This amino acid position is conserved. In addition, this alteration is predicted to be tolerated by in silico analysis. Based on the available evidence, the clinical significance of this variant remains unclear.